The following is an entry in ClinVar:

NC_000023.11:g.129558634del

Gene: OCRL (OCRL inositol polyphosphate-5-phosphatase; plus strand). Cytogenetic location: Xq26.1.
Variant type: Deletion.
Genome position: GRCh38 VCF-style: chrX-129558631-AG-A. GRCh37 (hg19) VCF-style: chrX-128692608-AG-A.
Identifiers: ClinVar variation 2831358 (VCV002831358.3), dbSNP rs2521877464, ClinGen allele CA2739273759.

ClinVar aggregate classification (germline): Pathogenic (1 of 4 stars; one submission).

Conditions:
Lowe syndrome (OCRL). Also called: LOWE OCULOCEREBRORENAL SYNDROME; PHOSPHATIDYLINOSITOL 4,5-BISPHOSPHATE 5-PHOSPHATASE DEFICIENCY; Oculocerebrorenal Syndrome. Identifiers: Orphanet 534, MedGen C0028860, MONDO:0010645, OMIM 309000.

Submission:

Labcorp Genetics (formerly Invitae), Labcorp
Classification: Pathogenic for Lowe syndrome. Last evaluated: 2023-01-23. Review status: criteria provided, single submitter. Criteria: Invitae Variant Classification Sherloc (09022015). Collection method: clinical testing. Allele origin: germline.
Comment: This variant is not present in population databases (gnomAD no frequency). This variant has not been reported in the literature in individuals affected with OCRL-related conditions. This sequence change creates a premature translational stop signal (p.Leu148Phefs*11) in the OCRL gene. It is expected to result in an absent or disrupted protein product. Loss-of-function variants in OCRL are known to be pathogenic (PMID: 19390221, 21031565, 22381590). Algorithms developed to predict the effect of sequence changes on RNA splicing suggest that this variant may disrupt the consensus splice site. For these reasons, this variant has been classified as Pathogenic.

Literature cited by the submitters: PubMed 19390221; PubMed 21031565; PubMed 22381590.